The following is an entry in ClinVar:

NM_001367624.2(ZNF469):c.826C>G (p.Pro276Ala)

Gene: ZNF469 (zinc finger protein 469; plus strand). Cytogenetic location: 16q24.2.
Variant type: single nucleotide variant.
Coding change: c.826C>G on transcript NM_001367624.2 (MANE Select); coding-DNA position 826, C replaced by G.
Protein change: p.Pro276Ala; replaces proline 276 with alanine.
Molecular consequence: missense variant.
Genome position (GRCh38, 1-based): chr16:88,428,296, C>G. VCF-style: chr16-88428296-C-G. GRCh37 (hg19) VCF-style: chr16-88494704-C-G.
Other names: NM_001127464.1:c.826C>G; short protein forms P276A.
Identifiers: ClinVar variation 1762690 (VCV001762690.3), dbSNP rs1466131070, ClinGen allele CA397062038.

ClinVar aggregate classification (germline): Uncertain significance. Review status: criteria provided, multiple submitters, no conflicts (2 of 4 stars). 2 submissions from 2 submitters: Uncertain significance (2). Last evaluated 2026-04-27.

Conditions:
Cardiovascular phenotype. Identifiers: MedGen CN230736.

Allele frequency attached by ClinVar (database versions not stated): gnomAD 0.00001; TOPMed 0.00001.
gnomAD v4.1: 9 of 1,550,264 alleles (0.00058%); highest among the groups gnomAD compares: East Asian, 0.015%; no homozygotes.

Submissions (2):

Women's Health and Genetics/Laboratory Corporation of America, LabCorp
Classification: Uncertain significance. Last evaluated: 2026-04-27. Review status: criteria provided, single submitter. Criteria: LabCorp Variant Classification Summary - May 2015. Collection method: clinical testing. Allele origin: germline.
Comment: Variant summary: ZNF469 c.826C>G (p.Pro276Ala) results in a non-conservative amino acid change in the encoded protein sequence. Algorithms developed to predict the effect of missense changes on protein structure and function are either unavailable or do not agree on the potential impact of this missense change. The variant allele was found at a frequency of 1.3e-05 in 153014 control chromosomes. The available data on variant occurrences in the general population are insufficient to allow any conclusion about variant significance. To our knowledge, no occurrence of c.826C>G in individuals affected with ZNF469-related conditions and no experimental evidence demonstrating its impact on protein function have been reported. ClinVar contains an entry for this variant (Variation ID: 1762690). Based on the evidence outlined above, the variant was classified as uncertain significance.

Ambry Genetics
Classification: Uncertain significance for Cardiovascular phenotype. Last evaluated: 2023-11-09. Review status: criteria provided, single submitter. Criteria: Ambry Variant Classification Scheme 2023. Collection method: clinical testing. Allele origin: germline.
Comment: The p.P276A variant (also known as c.826C>G), located in coding exon 1 of the ZNF469 gene, results from a C to G substitution at nucleotide position 826. The proline at codon 276 is replaced by alanine, an amino acid with highly similar properties. This amino acid position is well conserved in available vertebrate species. In addition, this alteration is predicted to be tolerated by in silico analysis. Since supporting evidence is limited at this time, the clinical significance of this alteration remains unclear.